The following is an entry in ClinVar:

ClinVar aggregate classification (germline): Uncertain significance (1 of 4 stars; one submission).

Submission:

Labcorp Genetics (formerly Invitae), Labcorp
Classification: Uncertain significance. Last evaluated: 2021-12-23. Review status: criteria provided, single submitter. Criteria: Invitae Variant Classification Sherloc (09022015). Collection method: clinical testing. Allele origin: germline.
Comment: This sequence change replaces serine, which is neutral and polar, with glycine, which is neutral and non-polar, at codon 90 of the ASAH1 protein (p.Ser90Gly). This variant is not present in population databases (gnomAD no frequency). This variant has not been reported in the literature in individuals affected with ASAH1-related conditions. Algorithms developed to predict the effect of missense changes on protein structure and function (SIFT, PolyPhen-2, Align-GVGD) all suggest that this variant is likely to be tolerated. Algorithms developed to predict the effect of sequence changes on RNA splicing suggest that this variant may create or strengthen a splice site. In summary, the available evidence is currently insufficient to determine the role of this variant in disease. Therefore, it has been classified as a Variant of Uncertain Significance.

NM_177924.5(ASAH1):c.268A>G (p.Ser90Gly)

Gene: ASAH1 (N-acylsphingosine amidohydrolase 1; minus strand). Cytogenetic location: 8p22.
Variant type: single nucleotide variant.
Coding change: c.268A>G on transcript NM_177924.5 (MANE Select); coding-DNA position 268, A replaced by G.
Protein change: p.Ser90Gly; replaces serine 90 with glycine.
Molecular consequence: missense variant. On other transcripts: intron variant (1).
Genome position (GRCh38, 1-based): chr8:18,069,827, T>C on the plus strand (A>G on the coding strand, the complement: ASAH1 is on the minus strand). VCF-style: chr8-18069827-T-C. GRCh37 (hg19) VCF-style: chr8-17927336-T-C.
Other names: c.73A>G, p.Ser25Gly (NM_001363743.2); c.316A>G, p.Ser106Gly (NM_004315.6); c.285+1473A>G (NM_001127505.3); short protein forms S106G, S90G, S25G.
Identifiers: ClinVar variation 2039694 (VCV002039694.3), dbSNP rs1800085827, ClinGen allele CA370433150.